The following is an entry in ClinVar:

ClinVar aggregate classification (germline): Pathogenic (1 of 4 stars; one submission).

Conditions:
Hereditary cancer-predisposing syndrome. Also called: Neoplastic Syndromes, Hereditary; Tumor predisposition; Hereditary neoplastic syndrome; Hereditary Cancer Syndrome. Identifiers: Orphanet 140162, MedGen C0027672, MeSH D009386, MONDO:0015356.

Submission:

Ambry Genetics
Classification: Pathogenic for Hereditary cancer-predisposing syndrome. Last evaluated: 2026-09-04. Review status: criteria provided, single submitter. Criteria: Ambry Variant Classification Scheme 2023. Collection method: clinical testing. Allele origin: germline.
Comment: The c.2107delA pathogenic mutation, located in coding exon 9 of the BRCA1 gene, results from a deletion of one nucleotide at nucleotide position 2107, causing a translational frameshift with a predicted alternate stop codon (p.T703Qfs*33). This variant is considered to be rare based on population cohorts in the Genome Aggregation Database (gnomAD). This alteration is expected to result in loss of function by premature protein truncation or nonsense-mediated mRNA decay. As such, this alteration is interpreted as a disease-causing mutation.

NM_007294.4(BRCA1):c.2107del (p.Thr703fs)

Gene: BRCA1 (BRCA1 DNA repair associated; minus strand). Cytogenetic location: 17q21.31.
Variant type: Deletion.
Coding change: c.2107del on transcript NM_007294.4 (MANE Select); coding-DNA position 2107, one base deleted (A; older notation c.2107delA).
Protein change: p.Thr703fs; shifts the reading frame from threonine 703.
Molecular consequence: frameshift variant. On other transcripts: intron variant (137).
Genome position (GRCh38, 1-based): chr17:43,093,424, T deleted on the plus strand (A on the coding strand, the reverse complement: BRCA1 is on the minus strand); the first of 2 consecutive T bases (chr17:43,093,424-43,093,425); deleting either gives the same sequence. VCF-style (leftmost placement, unchanged base first): chr17-43093423-GT-G. GRCh37 (hg19) VCF-style: chr17-41245440-GT-G.
Other names: c.1897del, p.Thr633fs (NM_001407884.1, NM_001407885.1, NM_001407886.1 and 13 more transcripts); c.1894del, p.Thr632fs (NM_001407894.1, NM_001407895.1, NM_001407896.1 and 9 more transcripts); c.2104del, p.Thr702fs (NM_001407627.1, NM_001407628.1, NM_001407629.1 and 22 more transcripts); c.2107del, p.Thr703fs (NM_001407639.1, NM_001407640.1, NM_001407641.1 and 30 more transcripts); c.1984del, p.Thr662fs (NM_001407666.1, NM_001407667.1, NM_001407668.1 and 19 more transcripts); c.1981del, p.Thr661fs (NM_001407670.1, NM_001407671.1, NM_001407672.1 and 11 more transcripts); c.1966del, p.Thr656fs (NM_001407692.1, NM_001407694.1, NM_001407695.1 and 29 more transcripts); c.1963del, p.Thr655fs (NM_001407740.1, NM_001407741.1, NM_001407742.1 and 20 more transcripts); and 42 more; short protein forms T575fs, T576fs, T632fs, T633fs, T661fs, T662fs, T700fs, T614fs.
Identifiers: ClinVar variation 5033212 (VCV005033212.1).